The following is an entry in ClinVar:

NM_003907.3(EIF2B5):c.915G>A (p.Met305Ile)

Gene: EIF2B5 (eukaryotic translation initiation factor 2B subunit epsilon; plus strand). Cytogenetic location: 3q27.1.
Variant type: single nucleotide variant.
Coding change: c.915G>A on transcript NM_003907.3 (MANE Select); coding-DNA position 915, G replaced by A.
Protein change: p.Met305Ile; replaces methionine 305 with isoleucine.
Molecular consequence: missense variant.
Genome position (GRCh38, 1-based): chr3:184,140,489, G>A. VCF-style: chr3-184140489-G-A. GRCh37 (hg19) VCF-style: chr3-183858277-G-A.
Other names: c.915G>A (NM_003907.2); short protein forms M305I.
Identifiers: ClinVar variation 2734596 (VCV002734596.6), dbSNP rs1431803321, ClinGen allele CA355385014.

ClinVar aggregate classification (germline): Pathogenic/Likely pathogenic. Review status: criteria provided, multiple submitters, no conflicts (2 of 4 stars). 3 submissions from 3 submitters: Pathogenic (2); Likely pathogenic (1). Last evaluated 2026-02-25.

Conditions:
Vanishing white matter disease. Also called: CACH syndrome; Childhood ataxia with diffuse central nervous system hypomyelination; Leukoencephalopathy with vanishing white matter; CACH/VWM syndrome; Cree leukoencehalopathy. Identifiers: Orphanet 135, Orphanet 99853, MedGen C1858991, MONDO:0800448.

Allele frequency attached by ClinVar (database versions not stated): TOPMed below 0.00001; gnomAD 0.00001.
gnomAD v4.1: 1 of 1,613,948 alleles (0.000062%); highest among the groups gnomAD compares: East Asian, 0.0022%; no homozygotes.

Submissions (3):

Women's Health and Genetics/Laboratory Corporation of America, LabCorp
Classification: Pathogenic for Vanishing white matter disease. Last evaluated: 2026-02-25. Review status: criteria provided, single submitter. Criteria: LabCorp Variant Classification Summary - May 2015. Collection method: clinical testing. Allele origin: germline.
Comment: Variant summary: EIF2B5 c.915G>A (p.Met305Ile) results in a conservative amino acid change in the encoded protein sequence. Algorithms developed to predict the effect of missense changes on protein structure and function are either unavailable or do not agree on the potential impact of this missense change. The variant was absent in 251462 control chromosomes. c.915G>A has been observed in compound heterozygous individual(s) affected with Leukoencephalopathy With Vanishing White Matter (Zhang_2015, Deng_2021). These data indicate that the variant is likely to be associated with disease. A different variant affecting the same codon has been classified as likely pathogenic/pathogenic by our lab (c.913A>T, p.Met305Leu), supporting the critical relevance of codon 305 to EIF2B5 protein function. To our knowledge, no experimental evidence demonstrating an impact on protein function has been reported. The following publications have been ascertained in the context of this evaluation (PMID: 34745209, 25761052). ClinVar contains an entry for this variant (Variation ID: 2734596). Based on the evidence outlined above, the variant was classified as pathogenic.

Natera, Inc.
Classification: Likely pathogenic for Leukoencephalopathy with vanishing white matter. Last evaluated: 2025-03-11. Review status: criteria provided, single submitter. Criteria: Natera Variant Classification Schema (03/2026). Collection method: clinical testing. Allele origin: germline.
Comment: The c.915G>A variant in EIF2B5 is a missense variant predicted to cause substitution of methionine to isoleucine at amino acid 305. This variant is rare in the general population with a frequency below the threshold expected for the associated phenotype(s). This variant has been observed in one or more individuals affected with the associated recessive disease, as either homozygous or compound heterozygous with a second variant (PMID: 34745209). Computational prediction algorithms indicate this variant is likely to affect gene or protein function. Given the available evidence, this variant is classified as Likely Pathogenic.

Labcorp Genetics (formerly Invitae), Labcorp
Classification: Pathogenic. Last evaluated: 2023-03-31. Review status: criteria provided, single submitter. Criteria: Invitae Variant Classification Sherloc (09022015). Collection method: clinical testing. Allele origin: germline.
Comment: This sequence change replaces methionine, which is neutral and non-polar, with isoleucine, which is neutral and non-polar, at codon 305 of the EIF2B5 protein (p.Met305Ile). This variant is not present in population databases (gnomAD no frequency). This missense change has been observed in individuals with leukoencephalopathy with vanishing white matter (PMID: 25761052, 34745209). Advanced modeling of protein sequence and biophysical properties (such as structural, functional, and spatial information, amino acid conservation, physicochemical variation, residue mobility, and thermodynamic stability) performed at Invitae indicates that this missense variant is expected to disrupt EIF2B5 protein function. This variant disrupts the p.Met305 amino acid residue in EIF2B5. Other variant(s) that disrupt this residue have been determined to be pathogenic (PMID: 25761052, 25843247, 27651498, 28334938, 34745209). This suggests that this residue is clinically significant, and that variants that disrupt this residue are likely to be disease-causing. For these reasons, this variant has been classified as Pathogenic.

Literature cited by the submitters: PubMed 25761052 (cited by Women's Health and Genetics/Laboratory Corporation of America, LabCorp and Labcorp Genetics (formerly Invitae), Labcorp); PubMed 34745209 (cited by 3 submitters); PubMed 25843247 (cited by Labcorp Genetics (formerly Invitae), Labcorp); PubMed 27651498 (cited by Labcorp Genetics (formerly Invitae), Labcorp); PubMed 28334938 (cited by Labcorp Genetics (formerly Invitae), Labcorp).